The following is an entry in ClinVar:

ClinVar aggregate classification (germline): Uncertain significance. Review status: criteria provided, multiple submitters, no conflicts (2 of 4 stars). 2 submissions from 2 submitters: Uncertain significance (2). Last evaluated 2023-10-06.

Conditions:
Wilson disease (WND). Also called: Wilson's disease. Identifiers: Orphanet 905, MedGen C0019202, MONDO:0010200, OMIM 277900. Disease mechanism: loss of function.

Allele frequency attached by ClinVar (database versions not stated): gnomAD 0.00001; gnomAD exomes 0.00001 and 0.00002; 1000 Genomes Project 0.00020; 1000 Genomes Project 30x 0.00031.
gnomAD v4.1: 15 of 1,614,158 alleles (0.00093%); highest among the groups gnomAD compares: South Asian, 0.0055%; no homozygotes.

Submissions (2):

All of Us Research Program, National Institutes of Health
Classification: Uncertain significance for Wilson disease. Last evaluated: 2023-10-06. Review status: criteria provided, single submitter. Criteria: ACMG Guidelines, 2015. Collection method: clinical testing. Allele origin: germline. Inheritance: Autosomal recessive inheritance. Observed: 2 variant alleles, 2 heterozygotes.
Comment: This missense variant replaces arginine with glutamine at codon 148 of the ATP7B protein. Computational prediction suggests that this variant may not impact protein structure and function (internally defined REVEL score threshold <= 0.5, PMID: 27666373). To our knowledge, functional studies have not been reported for this variant. This variant has not been reported in individuals affected with ATP7B-related disorders in the literature. This variant has been identified in 4/249264 chromosomes in the general population by the Genome Aggregation Database (gnomAD). The available evidence is insufficient to determine the role of this variant in disease conclusively. Therefore, this variant is classified as a Variant of Uncertain Significance.

This study involves interpretation of variants in research participants for the purpose of population health screening. Participant phenotype was not available at the time of variant classification. Additional details can be found in publication PMID: 35346344, PMCID: PMC8962531

Labcorp Genetics (formerly Invitae), Labcorp
Classification: Uncertain significance for Wilson disease. Last evaluated: 2022-10-04. Review status: criteria provided, single submitter. Criteria: Invitae Variant Classification Sherloc (09022015). Collection method: clinical testing. Allele origin: germline.
Comment: This sequence change replaces arginine, which is basic and polar, with glutamine, which is neutral and polar, at codon 148 of the ATP7B protein (p.Arg148Gln). This variant is present in population databases (rs571199682, gnomAD 0.01%). This variant has not been reported in the literature in individuals affected with ATP7B-related conditions. ClinVar contains an entry for this variant (Variation ID: 1438710). Advanced modeling of protein sequence and biophysical properties (such as structural, functional, and spatial information, amino acid conservation, physicochemical variation, residue mobility, and thermodynamic stability) performed at Invitae indicates that this missense variant is not expected to disrupt ATP7B protein function. In summary, the available evidence is currently insufficient to determine the role of this variant in disease. Therefore, it has been classified as a Variant of Uncertain Significance.

NM_000053.4(ATP7B):c.443G>A (p.Arg148Gln)

Gene: ATP7B (ATPase copper transporting beta; minus strand). Cytogenetic location: 13q14.3.
Variant type: single nucleotide variant.
Coding change: c.443G>A on transcript NM_000053.4 (MANE Select); coding-DNA position 443, G replaced by A.
Protein change: p.Arg148Gln; replaces arginine 148 with glutamine.
Molecular consequence: missense variant.
Genome position (GRCh38, 1-based): chr13:51,974,777, C>T on the plus strand (G>A on the coding strand, the complement: ATP7B is on the minus strand). VCF-style: chr13-51974777-C-T. GRCh37 (hg19) VCF-style: chr13-52548913-C-T.
Other names: c.443G>A, p.Arg148Gln (NM_001005918.3, NM_001243182.2, NM_001330578.2 and 1 more transcripts); short protein forms R148Q.
Identifiers: ClinVar variation 1438710 (VCV001438710.6), dbSNP rs571199682, ClinGen allele CA250067570.